The following is an entry in ClinVar:

ClinVar aggregate classification (germline): Uncertain significance (1 of 4 stars; one submission).

Conditions:
Hereditary cancer-predisposing syndrome. Also called: Neoplastic Syndromes, Hereditary; Tumor predisposition; Hereditary Cancer Syndrome; Hereditary neoplastic syndrome. Identifiers: Orphanet 140162, MedGen C0027672, MeSH D009386, MONDO:0015356.

Allele frequency attached by ClinVar (database versions not stated): gnomAD exomes below 0.00001.

Submission:

Ambry Genetics
Classification: Uncertain significance for Hereditary cancer-predisposing syndrome. Last evaluated: 2019-08-12. Review status: criteria provided, single submitter. Criteria: Ambry Variant Classification Scheme 2023. Collection method: clinical testing. Allele origin: germline.
Comment: The p.M1334I variant (also known as c.4002G>A), located in coding exon 20 of the MET gene, results from a G to A substitution at nucleotide position 4002. The methionine at codon 1334 is replaced by isoleucine, an amino acid with highly similar properties. This amino acid position is highly conserved in available vertebrate species. In addition, this alteration is predicted to be deleterious by in silico analysis. Since supporting evidence is limited at this time, the clinical significance of this alteration remains unclear.

NM_000245.4(MET):c.3948G>A (p.Met1316Ile)

Gene: MET (MET proto-oncogene, receptor tyrosine kinase; plus strand). Cytogenetic location: 7q31.2.
Variant type: single nucleotide variant.
Coding change: c.3948G>A on transcript NM_000245.4 (MANE Select); coding-DNA position 3948, G replaced by A.
Protein change: p.Met1316Ile; replaces methionine 1316 with isoleucine.
Molecular consequence: missense variant.
Genome position (GRCh38, 1-based): chr7:116,795,899, G>A. VCF-style: chr7-116795899-G-A. GRCh37 (hg19) VCF-style: chr7-116435953-G-A.
Other names: c.4002G>A, p.Met1334Ile (NM_001127500.3); c.2658G>A, p.Met886Ile (NM_001324402.2); short protein forms M1316I, M1334I, M886I.
Identifiers: ClinVar variation 1736948 (VCV001736948.2), dbSNP rs1434248114, ClinGen allele CA369118068.